The following is an entry in ClinVar:

ClinVar aggregate classification (germline): Likely benign. Review status: criteria provided, multiple submitters, no conflicts (2 of 4 stars). 2 submissions from 2 submitters: Likely benign (2). Last evaluated 2026-02-01.

gnomAD v4.1: 1 of 1,610,172 alleles (0.000062%); no homozygotes.

Submissions (2):

CeGaT Center for Human Genetics Tuebingen
Classification: Likely benign. Last evaluated: 2026-02-01. Review status: criteria provided, single submitter. Criteria: CeGaT Center For Human Genetics Tuebingen Variant Classification Criteria Version 2. Collection method: clinical testing. Allele origin: germline. Affected: yes. Observed: 1 variant allele.
Comment: TOP2B: BP4, BP7

Labcorp Genetics (formerly Invitae), Labcorp
Classification: Likely benign. Last evaluated: 2025-04-25. Review status: criteria provided, single submitter. Criteria: Invitae Variant Classification Sherloc (09022015). Collection method: clinical testing. Allele origin: germline.

NM_001330700.2(TOP2B):c.2949T>C (p.Thr983=)

Gene: TOP2B (DNA topoisomerase II beta; minus strand). Cytogenetic location: 3p24.2.
Variant type: single nucleotide variant.
Coding change: c.2949T>C on transcript NM_001330700.2 (MANE Select); coding-DNA position 2949, T replaced by C.
Protein change: p.Thr983=; no amino-acid change (threonine 983 retained).
Molecular consequence: synonymous variant.
Genome position (GRCh38, 1-based): chr3:25,619,976, A>G on the plus strand (T>C on the coding strand, the complement: TOP2B is on the minus strand). VCF-style: chr3-25619976-A-G. GRCh37 (hg19) VCF-style: chr3-25661467-A-G.
Other names: c.2934T>C, p.Thr978= (NM_001068.3).
Identifiers: ClinVar variation 3623719 (VCV003623719.6).
Genomic context (GRCh38, chr3:25,619,976, plus strand): 5'-AGCTTCTGCTTGTGCTAGTTTCTCTTCAGTCATTTTCACCACAAATTTCACAGTTGTGTC[A>G]GTATGATATTCTTTATAATCAGAAATTAATGCTGGTGTTTTATCTGTTCCATTTAGCATA-3'
Protein context (NP_001317629.1, residues 973-993): ALISDYKEYH[Thr983=]DTTVKFVVKM